The following is an entry in ClinVar:

NM_000426.4(LAMA2):c.561del (p.Pro188fs)

Gene: LAMA2 (laminin subunit alpha 2; plus strand). Cytogenetic location: 6q22.33.
Variant type: Deletion.
Coding change: c.561del on transcript NM_000426.4 (MANE Select); coding-DNA position 561, one base deleted (G; older notation c.561delG).
Protein change: p.Pro188fs; shifts the reading frame from proline 188.
Molecular consequence: frameshift variant.
Genome position (GRCh38, 1-based): chr6:129,098,337, G deleted; the last of 3 consecutive G bases (chr6:129,098,335-129,098,337); deleting any one gives the same sequence. VCF-style (leftmost placement, unchanged base first): chr6-129098334-TG-T. GRCh37 (hg19) VCF-style: chr6-129419479-TG-T.
Other names: c.561del, p.Pro188fs (NM_001079823.2); short protein forms P188fs.
Identifiers: ClinVar variation 2845735 (VCV002845735.3), dbSNP rs2482428290, ClinGen allele CA2739266074.

ClinVar aggregate classification (germline): Pathogenic (1 of 4 stars; one submission).

Conditions:
LAMA2-related muscular dystrophy (LAMA2-RD). Also called: Laminin alpha 2-related dystrophy. Identifiers: MedGen C5679788, MONDO:0100228.

Submission:

Labcorp Genetics (formerly Invitae), Labcorp
Classification: Pathogenic for LAMA2-related muscular dystrophy. Last evaluated: 2023-03-24. Review status: criteria provided, single submitter. Criteria: Invitae Variant Classification Sherloc (09022015). Collection method: clinical testing. Allele origin: germline.
Comment: For these reasons, this variant has been classified as Pathogenic. This variant has not been reported in the literature in individuals affected with LAMA2-related conditions. This variant is not present in population databases (gnomAD no frequency). This sequence change creates a premature translational stop signal (p.Pro188Hisfs*22) in the LAMA2 gene. It is expected to result in an absent or disrupted protein product. Loss-of-function variants in LAMA2 are known to be pathogenic (PMID: 18700894, 32904964).

Literature cited by the submitters: PubMed 18700894; PubMed 32904964.